The following is an entry in ClinVar:

NM_020937.4(FANCM):c.1492C>T (p.Gln498Ter)

Gene: FANCM (FA complementation group M; plus strand). Cytogenetic location: 14q21.2.
Variant type: single nucleotide variant.
Coding change: c.1492C>T on transcript NM_020937.4 (MANE Select); coding-DNA position 1492, C replaced by T.
Protein change: p.Gln498Ter; replaces glutamine 498 with a stop codon.
Molecular consequence: nonsense.
Genome position (GRCh38, 1-based): chr14:45,159,191, C>T. VCF-style: chr14-45159191-C-T. GRCh37 (hg19) VCF-style: chr14-45628394-C-T.
Other names: c.1414C>T, p.Gln472Ter (NM_001308133.2); c.1492C>T, p.Gln498Ter (NM_001308134.2); short protein forms Q472*, Q498*.
Identifiers: ClinVar variation 1072585 (VCV001072585.10), dbSNP rs2139186499, ClinGen allele CA389592565.

ClinVar aggregate classification (germline): Pathogenic/Likely pathogenic. Review status: criteria provided, multiple submitters, no conflicts (2 of 4 stars). 2 submissions from 2 submitters: Pathogenic (1); Likely pathogenic (1). Last evaluated 2023-02-15.

Conditions:
Fanconi anemia (FA). Also called: Fanconi's anemia. Identifiers: Orphanet 84, MedGen C0015625, MeSH D005199, MONDO:0019391.
Spermatogenic failure 28. Identifiers: MedGen C4748117, MONDO:0054732, OMIM 618086.
Premature ovarian failure 15. Identifiers: MedGen C4748170, MONDO:0054862, OMIM 618096.

Allele frequency attached by ClinVar (database versions not stated): gnomAD exomes 0.00001.

Submissions (2):

Department of Pathology and Laboratory Medicine, Sinai Health System
Classification: Likely pathogenic for Spermatogenic failure 28; Premature ovarian failure 15. Last evaluated: 2023-02-15. Review status: criteria provided, single submitter. Criteria: ACMG Guidelines, 2015. Collection method: research. Allele origin: germline.

Labcorp Genetics (formerly Invitae), Labcorp
Classification: Pathogenic for Fanconi anemia. Last evaluated: 2021-08-07. Review status: criteria provided, single submitter. Criteria: Invitae Variant Classification Sherloc (09022015). Collection method: clinical testing. Allele origin: germline.
Comment: This variant is not present in population databases (ExAC no frequency). This sequence change creates a premature translational stop signal (p.Gln498*) in the FANCM gene. It is expected to result in an absent or disrupted protein product. Loss-of-function variants in FANCM are known to be pathogenic (PMID: 29895858, 30075111). This variant has been observed in individual(s) with ovarian cancer (PMID: 28881617). For these reasons, this variant has been classified as Pathogenic.

Literature cited by the submitters: PubMed 29895858 (cited by Labcorp Genetics (formerly Invitae), Labcorp); PubMed 30075111 (cited by Labcorp Genetics (formerly Invitae), Labcorp); PubMed 28881617 (cited by Labcorp Genetics (formerly Invitae), Labcorp).